The following is an entry in ClinVar:

NM_015087.5(SPART):c.1984A>G (p.Lys662Glu)

Gene: SPART (spartin; minus strand). Cytogenetic location: 13q13.3.
Variant type: single nucleotide variant.
Coding change: c.1984A>G on transcript NM_015087.5 (MANE Select); coding-DNA position 1984, A replaced by G.
Protein change: p.Lys662Glu; replaces lysine 662 with glutamic acid.
Molecular consequence: missense variant.
Genome position (GRCh38, 1-based): chr13:36,304,382, T>C on the plus strand (A>G on the coding strand, the complement: SPART is on the minus strand). VCF-style: chr13-36304382-T-C. GRCh37 (hg19) VCF-style: chr13-36878519-T-C.
Other names: c.1984A>G, p.Lys662Glu (NM_001142294.2, NM_001142295.2, NM_001142296.2); short protein forms K662E.
Identifiers: ClinVar variation 1954244 (VCV001954244.2), dbSNP rs767258940, ClinGen allele CA6949242.

ClinVar aggregate classification (germline): Uncertain significance (1 of 4 stars; one submission).

Allele frequency attached by ClinVar (database versions not stated): gnomAD exomes below 0.00001; TOPMed below 0.00001; ExAC 0.00001.
gnomAD v4.1: 1 of 1,614,096 alleles (0.000062%); highest among the groups gnomAD compares: African/African-American, 0.0013%; no homozygotes.

Submission:

Labcorp Genetics (formerly Invitae), Labcorp
Classification: Uncertain significance. Last evaluated: 2022-08-21. Review status: criteria provided, single submitter. Criteria: Invitae Variant Classification Sherloc (09022015). Collection method: clinical testing. Allele origin: germline.
Comment: This sequence change replaces lysine, which is basic and polar, with glutamic acid, which is acidic and polar, at codon 662 of the SPART protein (p.Lys662Glu). This variant is present in population databases (rs767258940, gnomAD 0.007%). This variant has not been reported in the literature in individuals affected with SPART-related conditions. Algorithms developed to predict the effect of missense changes on protein structure and function output the following: SIFT: "Tolerated"; PolyPhen-2: "Not Available"; Align-GVGD: "Class C0". The glutamic acid amino acid residue is found in multiple mammalian species, which suggests that this missense change does not adversely affect protein function. In summary, the available evidence is currently insufficient to determine the role of this variant in disease. Therefore, it has been classified as a Variant of Uncertain Significance.